The following is an entry in ClinVar:

NM_016111.4(TELO2):c.926G>A (p.Arg309Gln)

Gene: TELO2 (telomere maintenance 2; plus strand). Cytogenetic location: 16p13.3.
Variant type: single nucleotide variant.
Coding change: c.926G>A on transcript NM_016111.4 (MANE Select); coding-DNA position 926, G replaced by A.
Protein change: p.Arg309Gln; replaces arginine 309 with glutamine.
Molecular consequence: missense variant.
Genome position (GRCh38, 1-based): chr16:1,499,326, G>A. VCF-style: chr16-1499326-G-A. GRCh37 (hg19) VCF-style: chr16-1549327-G-A.
Other names: c.926G>A (NM_016111.3); c.926G>A, p.Arg309Gln (NM_001351846.2); short protein forms R309Q.
Identifiers: ClinVar variation 1903016 (VCV001903016.6), dbSNP rs144312433, ClinGen allele CA7811833.

ClinVar aggregate classification (germline): Uncertain significance. Review status: criteria provided, multiple submitters, no conflicts (2 of 4 stars). 2 submissions from 2 submitters: Uncertain significance (2). Last evaluated 2025-04-20.

Conditions:
Inborn genetic diseases. Identifiers: MedGen C0950123, MeSH D030342.

Allele frequency attached by ClinVar (database versions not stated): gnomAD exomes 0.00001; ExAC 0.00002; gnomAD 0.00002; TOPMed 0.00003; ESP Exome Variant Server 0.00008.
gnomAD v4.1: 19 of 1,601,184 alleles (0.0012%); highest among the groups gnomAD compares: Admixed American, 0.0068%; no homozygotes.

Submissions (2):

Ambry Genetics
Classification: Uncertain significance for Inborn genetic diseases. Last evaluated: 2025-04-20. Review status: criteria provided, single submitter. Criteria: Ambry Variant Classification Scheme 2023. Collection method: clinical testing. Allele origin: germline.

Labcorp Genetics (formerly Invitae), Labcorp
Classification: Uncertain significance. Last evaluated: 2024-12-16. Review status: criteria provided, single submitter. Criteria: Invitae Variant Classification Sherloc (09022015). Collection method: clinical testing. Allele origin: germline.
Comment: This sequence change replaces arginine, which is basic and polar, with glutamine, which is neutral and polar, at codon 309 of the TELO2 protein (p.Arg309Gln). This variant is present in population databases (rs144312433, gnomAD 0.006%). This variant has not been reported in the literature in individuals affected with TELO2-related conditions. ClinVar contains an entry for this variant (Variation ID: 1903016). Invitae Evidence Modeling of protein sequence and biophysical properties (such as structural, functional, and spatial information, amino acid conservation, physicochemical variation, residue mobility, and thermodynamic stability) indicates that this missense variant is not expected to disrupt TELO2 protein function with a negative predictive value of 95%. In summary, the available evidence is currently insufficient to determine the role of this variant in disease. Therefore, it has been classified as a Variant of Uncertain Significance.